The following is an entry in ClinVar:

ClinVar aggregate classification (germline): Likely pathogenic (1 of 4 stars; one submission).

Conditions:
Metachromatic leukodystrophy (MLD). Also called: Cerebral sclerosis diffuse metachromatic form; ARSA DEFICIENCY; CEREBROSIDE SULFATASE DEFICIENCY; Arylsulfatase A Deficiency; METACHROMATIC LEUKOENCEPHALOPATHY; SULFATIDE LIPIDOSIS. Identifiers: Orphanet 512, MedGen C0023522, MONDO:0018868, OMIM 250100.

Submission:

Lifecell International Pvt. Ltd
Classification: Likely pathogenic for Metachromatic leukodystrophy. Review status: criteria provided, single submitter. Criteria: ACMG Guidelines, 2015. Collection method: clinical testing. Allele origin: germline. Inheritance: Autosomal recessive inheritance. Affected: yes. Observed: 1 homozygote.
Comment: A Homozygote frameshift variant c.937dupC in Exon 5 of the ARSA gene that results in the amino acid substitution p.Arg313fs*47 was identified. The observed variant has a minor allele frequency of 0.0% in gnomAD exomes and genomes, respectively. The severity of the impact of this variant on the protein is high, based on the effect of the protein and REVEL score. Rare Exome Variant Ensemble Learner (REVEL) is an ensembl method for predicting the pathogenicity of missense variants based on a combination of scores from 13 individual tools: MutPred, FATHMM v2.3, VEST 3.0, PolyPhen-2, SIFT, PROVEAN, MutationAssessor, MutationTaster, LRT, GERP++, SiPhy, phyloP, and phastCons. The REVEL score for an individual missense variant can range from 0 to 1, with higher scores reflecting greater likelihood that the variant is disease-causing. Based on the above evidence this variant has been classified as Likely Pathogenic according to the ACMG guidelines.

NM_000487.6(ARSA):c.937dup (p.Arg313fs)

Gene: ARSA (arylsulfatase A; minus strand). Cytogenetic location: 22q13.33.
Variant type: Duplication.
Coding change: c.937dup on transcript NM_000487.6 (MANE Select); coding-DNA position 937, one base duplicated (C; older notation c.937dupC).
Protein change: p.Arg313fs; shifts the reading frame from arginine 313.
Molecular consequence: frameshift variant.
Genome position (GRCh38, 1-based): chr22:50,626,196, G duplicated on the plus strand (C on the coding strand, the reverse complement: ARSA is on the minus strand); the first of 2 consecutive G bases (chr22:50,626,196-50,626,197); duplicating either gives the same sequence. VCF-style (leftmost placement, unchanged base first): chr22-50626195-C-CG. GRCh37 (hg19) VCF-style: chr22-51064623-C-CG.
Other names: c.937dupC (NM_000487.6); c.937dup, p.Arg313fs (NM_001085425.3, NM_001085426.3, NM_001085427.3); c.679dup, p.Arg227fs (NM_001085428.3, NM_001362782.2); short protein forms R227fs, R313fs.
Identifiers: ClinVar variation 2501673 (VCV002501673.1), dbSNP rs2518326922, ClinGen allele CA2580615339.